The following is an entry in ClinVar:

ClinVar aggregate classification (germline): Pathogenic/Likely pathogenic. Review status: criteria provided, multiple submitters, no conflicts (2 of 4 stars). 2 submissions from 2 submitters: Pathogenic (1); Likely pathogenic (1). Last evaluated 2020-11-03.

Conditions:
Developmental and epileptic encephalopathy, 43 (DEE43). Also called: Epileptic encephalopathy, early infantile, 43. Identifiers: MedGen C4310712, MONDO:0014921, OMIM 617113.
Epilepsy, childhood absence, susceptibility to, 1. Also called: Epilepsy, childhood absence 1. Identifiers: Orphanet 64280, MedGen C1838604, MONDO:0020759, OMIM 600131.
Epilepsy, childhood absence, susceptibility to, 5. Identifiers: Orphanet 64280, MedGen C2677087, MONDO:0012843, OMIM 612269.

Submissions (2):

Labcorp Genetics (formerly Invitae), Labcorp
Classification: Pathogenic for Epilepsy, childhood absence, susceptibility to, 5; Epilepsy, childhood absence, susceptibility to, 1. Last evaluated: 2020-11-03. Review status: criteria provided, single submitter. Criteria: Invitae Variant Classification Sherloc (09022015). Collection method: clinical testing. Allele origin: germline.
Comment: For these reasons, this variant has been classified as Pathogenic. Algorithms developed to predict the effect of sequence changes on RNA splicing suggest that this variant may create or strengthen a splice site, but this prediction has not been confirmed by published transcriptional studies. Advanced modeling of protein sequence and biophysical properties (such as structural, functional, and spatial information, amino acid conservation, physicochemical variation, residue mobility, and thermodynamic stability) performed at Invitae indicates that this missense variant is expected to disrupt GABRB3 protein function. This variant has been observed in individual(s) with clinical features of developmental and epileptic encephalopathy (Invitae). In at least one individual the variant was observed to be de novo. This variant is not present in population databases (ExAC no frequency). This sequence change replaces lysine with arginine at codon 304 of the GABRB3 protein (p.Lys304Arg). The lysine residue is highly conserved and there is a small physicochemical difference between lysine and arginine.

Equipe Genetique des Anomalies du Developpement, Université de Bourgogne
Classification: Likely pathogenic for Developmental and epileptic encephalopathy, 43. Review status: criteria provided, single submitter. Criteria: ACMG Guidelines, 2015. Collection method: clinical testing. Allele origin: de novo. Affected: yes.

Literature cited by the submitters: PubMed 34782754 (cited by Equipe Genetique des Anomalies du Developpement, Université de Bourgogne).

NM_000814.6(GABRB3):c.911A>G (p.Lys304Arg)

Gene: GABRB3 (gamma-aminobutyric acid type A receptor subunit beta3; minus strand). Cytogenetic location: 15q12.
Variant type: single nucleotide variant.
Coding change: c.911A>G on transcript NM_000814.6 (MANE Select); coding-DNA position 911, A replaced by G.
Protein change: p.Lys304Arg; replaces lysine 304 with arginine.
Molecular consequence: missense variant.
Genome position (GRCh38, 1-based): chr15:26,561,101, T>C on the plus strand (A>G on the coding strand, the complement: GABRB3 is on the minus strand). VCF-style: chr15-26561101-T-C. GRCh37 (hg19) VCF-style: chr15-26806248-T-C.
Other names: c.656A>G, p.Lys219Arg (NM_001191320.2, NM_001278631.2); c.698A>G, p.Lys233Arg (NM_001191321.3); c.911A>G, p.Lys304Arg (NM_021912.5); short protein forms K219R, K233R, K304R.
Identifiers: ClinVar variation 1003531 (VCV001003531.11), dbSNP rs1889966043, ClinGen allele CA391462122.